The following is an entry in ClinVar:

ClinVar aggregate classification (germline): Benign/Likely benign. Review status: criteria provided, multiple submitters, no conflicts (2 of 4 stars). 11 submissions from 10 submitters: Benign (8); Likely benign (3). Last evaluated 2026-08-01.

Conditions:
LAMB2-related infantile-onset nephrotic syndrome. Also called: NEPHROTIC SYNDROME, TYPE 5, WITHOUT OCULAR ABNORMALITIES; NEPHROTIC SYNDROME, TYPE 5, WITH OCULAR ABNORMALITIES; Nephrotic Syndrome, type 5. Identifiers: Orphanet 306507, MedGen C3280113, MONDO:0013621, OMIM 614199.
Pierson syndrome. Also called: MICROCORIA-CONGENITAL NEPHROTIC SYNDROME. Identifiers: Orphanet 2670, MedGen C1836876, MONDO:0012184, OMIM 609049.
Focal segmental glomerulosclerosis (FSGS). Also called: Glomerulosclerosis, focal; Focal sclerosis with hyalinosis. Identifiers: MedGen C0017668, MONDO:0100313, HP:0000097. Disease mechanism: loss of function.

Allele frequency attached by ClinVar (database versions not stated): gnomAD exomes 0.00116 and 0.00301; ExAC 0.00383; gnomAD 0.01189 and 0.01273; 1000 Genomes Project 0.01258; 1000 Genomes Project 30x 0.01312; TOPMed 0.01351; ESP Exome Variant Server 0.01422.

Submissions (34):

CeGaT Center for Human Genetics Tuebingen
Classification: Benign. Last evaluated: 2026-08-01. Review status: criteria provided, single submitter. Criteria: CeGaT Center For Human Genetics Tuebingen Variant Classification Criteria Version 2. Collection method: clinical testing. Allele origin: germline. Affected: yes. Observed: 3 variant alleles.
Comment: LAMB2: PP3, BS1, BS2

Labcorp Genetics (formerly Invitae), Labcorp
Classification: Benign for LAMB2-related infantile-onset nephrotic syndrome; Pierson syndrome. Last evaluated: 2026-01-31. Review status: criteria provided, single submitter. Criteria: Invitae Variant Classification Sherloc (09022015). Collection method: clinical testing. Allele origin: germline.

Mayo Clinic Laboratories, Mayo Clinic
Classification: Benign. Last evaluated: 2025-10-17. Review status: criteria provided, single submitter. Criteria: ACMG Guidelines, 2015. Collection method: clinical testing. Allele origin: germline. Observed: 3 variant alleles.
Comment: BS1, BS2, BP4_moderate, PP3

Blueprint Genetics
Classification: Likely benign. Last evaluated: 2024-11-26. Review status: criteria provided, single submitter. Criteria: ACMG Guidelines, 2015. Collection method: clinical testing. Allele origin: germline.

Genome Diagnostics Laboratory, The Hospital for Sick Children
Classification: Benign for Focal segmental glomerulosclerosis. Last evaluated: 2021-09-08. Review status: criteria provided, single submitter. Criteria: ACMG Guidelines, 2015. Collection method: clinical testing. Allele origin: germline.

GeneDx
Classification: Likely benign. Last evaluated: 2020-03-25. Review status: criteria provided, single submitter. Criteria: GeneDx Variant Classification Process June 2021. Collection method: clinical testing. Allele origin: germline. Affected: yes.

Athena Diagnostics
Classification: Benign. Last evaluated: 2018-04-18. Review status: criteria provided, single submitter. Criteria: Athena Diagnostics Criteria. Collection method: clinical testing. Allele origin: germline.

Illumina Laboratory Services, Illumina
Classification: Benign for Pierson syndrome. Last evaluated: 2018-01-12. Review status: criteria provided, single submitter. Criteria: ICSL Variant Classification Criteria 13 December 2019. Collection method: clinical testing. Allele origin: germline.
Comment: This variant was observed in the ICSL laboratory as part of a predisposition screen in an ostensibly healthy population. It had not been previously curated by ICSL or reported in the Human Gene Mutation Database (HGMD: prior to June 1st, 2018), and was therefore a candidate for classification through an automated scoring system. Utilizing variant allele frequency, disease prevalence and penetrance estimates, and inheritance mode, an automated score was calculated to assess if this variant is too frequent to cause the disease. Based on the score and internal cut-off values, a variant classified as benign is not then subjected to further curation. The score for this variant resulted in a classification of benign for this disease.

Illumina Laboratory Services, Illumina
Classification: Benign for LAMB2-related infantile-onset nephrotic syndrome. Last evaluated: 2018-01-12. Review status: criteria provided, single submitter. Criteria: ICSL Variant Classification Criteria 13 December 2019. Collection method: clinical testing. Allele origin: germline.
Comment: the same text as in the submission from Illumina Laboratory Services, Illumina above.

Breakthrough Genomics
Classification: Likely benign. Review status: criteria provided, single submitter. Criteria: ACMG Guidelines, 2015. Collection method: not provided. Allele origin: germline. Inheritance: Autosomal recessive inheritance. Affected: yes.

PreventionGenetics, part of Exact Sciences
Classification: Benign. Review status: criteria provided, single submitter. Criteria: ACMG Guidelines, 2015. Collection method: clinical testing. Allele origin: germline.

Dr. Peter K. Rogan Lab, Western University
No classification provided (evidence only). Condition: Clear cell carcinoma of kidney. Review status: no classification provided. Collection method: in vitro. Allele origin: not applicable. Functional consequence: cryptic splice site, retained intron. Not counted in ClinVar's aggregate classification.

Dr. Peter K. Rogan Lab, Western University
No classification provided (evidence only). Condition: Clear cell carcinoma of kidney. Review status: no classification provided. Collection method: in vitro. Allele origin: not applicable. Functional consequence: retained intron. Not counted in ClinVar's aggregate classification.

Dr. Peter K. Rogan Lab, Western University
No classification provided (evidence only). Condition: Clear cell carcinoma of kidney. Review status: no classification provided. Collection method: in vitro. Allele origin: not applicable. Functional consequence: retained intron. Not counted in ClinVar's aggregate classification.

Dr. Peter K. Rogan Lab, Western University
No classification provided (evidence only). Condition: Clear cell carcinoma of kidney. Review status: no classification provided. Collection method: in vitro. Allele origin: not applicable. Functional consequence: retained intron. Not counted in ClinVar's aggregate classification.

Dr. Peter K. Rogan Lab, Western University
No classification provided (evidence only). Condition: Clear cell carcinoma of kidney. Review status: no classification provided. Collection method: in vitro. Allele origin: not applicable. Functional consequence: retained intron. Not counted in ClinVar's aggregate classification.

Dr. Peter K. Rogan Lab, Western University
No classification provided (evidence only). Condition: Lung cancer. Review status: no classification provided. Collection method: in vitro. Allele origin: not applicable. Functional consequence: retained intron. Not counted in ClinVar's aggregate classification.

Dr. Peter K. Rogan Lab, Western University
No classification provided (evidence only). Condition: Lung cancer. Review status: no classification provided. Collection method: in vitro. Allele origin: not applicable. Functional consequence: retained intron. Not counted in ClinVar's aggregate classification.

Dr. Peter K. Rogan Lab, Western University
No classification provided (evidence only). Condition: Lung cancer. Review status: no classification provided. Collection method: in vitro. Allele origin: not applicable. Functional consequence: retained intron. Not counted in ClinVar's aggregate classification.

Dr. Peter K. Rogan Lab, Western University
No classification provided (evidence only). Condition: Thyroid cancer, nonmedullary, 1. Review status: no classification provided. Collection method: in vitro. Allele origin: not applicable. Functional consequence: retained intron. Not counted in ClinVar's aggregate classification.

Dr. Peter K. Rogan Lab, Western University
No classification provided (evidence only). Condition: Uterine corpus endometrial carcinoma. Review status: no classification provided. Collection method: in vitro. Allele origin: not applicable. Functional consequence: cryptic splice site, retained intron. Not counted in ClinVar's aggregate classification.

Dr. Peter K. Rogan Lab, Western University
No classification provided (evidence only). Condition: Uterine corpus endometrial carcinoma. Review status: no classification provided. Collection method: in vitro. Allele origin: not applicable. Functional consequence: retained intron. Not counted in ClinVar's aggregate classification.

Dr. Peter K. Rogan Lab, Western University
No classification provided (evidence only). Condition: Uterine corpus endometrial carcinoma. Review status: no classification provided. Collection method: in vitro. Allele origin: not applicable. Functional consequence: cryptic splice site, retained intron. Not counted in ClinVar's aggregate classification.

Dr. Peter K. Rogan Lab, Western University
No classification provided (evidence only). Condition: Uterine corpus endometrial carcinoma. Review status: no classification provided. Collection method: in vitro. Allele origin: not applicable. Functional consequence: retained intron. Not counted in ClinVar's aggregate classification.

Dr. Peter K. Rogan Lab, Western University
No classification provided (evidence only). Condition: Cervical cancer. Review status: no classification provided. Collection method: in vitro. Allele origin: not applicable. Functional consequence: retained intron. Not counted in ClinVar's aggregate classification.

Dr. Peter K. Rogan Lab, Western University
No classification provided (evidence only). Condition: Cervical cancer. Review status: no classification provided. Collection method: in vitro. Allele origin: not applicable. Functional consequence: retained intron. Not counted in ClinVar's aggregate classification.

Dr. Peter K. Rogan Lab, Western University
No classification provided (evidence only). Condition: Cervical cancer. Review status: no classification provided. Collection method: in vitro. Allele origin: not applicable. Functional consequence: retained intron. Not counted in ClinVar's aggregate classification.

Dr. Peter K. Rogan Lab, Western University
No classification provided (evidence only). Condition: Cervical cancer. Review status: no classification provided. Collection method: in vitro. Allele origin: not applicable. Functional consequence: retained intron. Not counted in ClinVar's aggregate classification.

Dr. Peter K. Rogan Lab, Western University
No classification provided (evidence only). Condition: Sarcoma. Review status: no classification provided. Collection method: in vitro. Allele origin: not applicable. Functional consequence: retained intron. Not counted in ClinVar's aggregate classification.

Dr. Peter K. Rogan Lab, Western University
No classification provided (evidence only). Condition: Hepatocellular carcinoma. Review status: no classification provided. Collection method: in vitro. Allele origin: not applicable. Functional consequence: retained intron. Not counted in ClinVar's aggregate classification.

Dr. Peter K. Rogan Lab, Western University
No classification provided (evidence only). Condition: Hepatocellular carcinoma. Review status: no classification provided. Collection method: in vitro. Allele origin: not applicable. Functional consequence: retained intron. Not counted in ClinVar's aggregate classification.

Dr. Peter K. Rogan Lab, Western University
No classification provided (evidence only). Condition: Thymoma. Review status: no classification provided. Collection method: in vitro. Allele origin: not applicable. Functional consequence: cryptic splice site, retained intron. Not counted in ClinVar's aggregate classification.

Dr. Peter K. Rogan Lab, Western University
No classification provided (evidence only). Condition: Thymoma. Review status: no classification provided. Collection method: in vitro. Allele origin: not applicable. Functional consequence: retained intron. Not counted in ClinVar's aggregate classification.

Dr. Peter K. Rogan Lab, Western University
No classification provided (evidence only). Condition: Adrenocortical carcinoma, hereditary. Review status: no classification provided. Collection method: in vitro. Allele origin: not applicable. Functional consequence: retained intron. Not counted in ClinVar's aggregate classification.

Literature cited by the submitters: PubMed 30476936 (cited by Mayo Clinic Laboratories, Mayo Clinic).

NM_002292.4(LAMB2):c.4774C>T (p.Arg1592Trp)

Gene: LAMB2 (laminin subunit beta 2; minus strand). Cytogenetic location: 3p21.31.
Variant type: single nucleotide variant.
Coding change: c.4774C>T on transcript NM_002292.4 (MANE Select); coding-DNA position 4774, C replaced by T.
Protein change: p.Arg1592Trp; replaces arginine 1592 with tryptophan.
Molecular consequence: missense variant.
Genome position (GRCh38, 1-based): chr3:49,122,170, G>A on the plus strand (C>T on the coding strand, the complement: LAMB2 is on the minus strand). VCF-style: chr3-49122170-G-A. GRCh37 (hg19) VCF-style: chr3-49159603-G-A.
Other names: p.Arg1592Trp; short protein forms R1592W.
Identifiers: ClinVar variation 258612 (VCV000258612.49), dbSNP rs61729458, ClinGen allele CA2393708.
Genomic context (GRCh38, chr3:49,122,170, plus strand): 5'-CTGGAGGTATCAAAACCAGGTGTCAGGGATAGGGGCCAGGGATGGGGTCAGACCTTGCCC[G>A]CCGTGCATCCTGCAGTAGCTGCTCGGCACGACGCACATCTCCTACAGTACGTGCCAGGAT-3'
Protein context (NP_002283.3, residues 1582-1602): RAEQLLQDAR[Arg1592Trp]ARSWAEDEKQ